The following is an entry in ClinVar:

NM_004006.3(DMD):c.9553G>A (p.Val3185Ile)

Gene: DMD (dystrophin; minus strand). Cytogenetic location: Xp21.2.
Variant type: single nucleotide variant.
Coding change: c.9553G>A on transcript NM_004006.3 (MANE Select); coding-DNA position 9553, G replaced by A.
Protein change: p.Val3185Ile; replaces valine 3185 with isoleucine.
Molecular consequence: missense variant.
Genome position (GRCh38, 1-based): chrX:31,209,508, C>T on the plus strand (G>A on the coding strand, the complement: DMD is on the minus strand). VCF-style: chrX-31209508-C-T. GRCh37 (hg19) VCF-style: chrX-31227625-C-T.
Other names: c.9529G>A, p.Val3177Ile (NM_000109.4); c.9541G>A, p.Val3181Ile (NM_004009.3); c.9184G>A, p.Val3062Ile (NM_004010.3); c.5530G>A, p.Val1844Ile (NM_004011.4); c.5521G>A, p.Val1841Ile (NM_004012.4); c.2173G>A, p.Val725Ile (NM_004013.3, NM_004020.4, NM_004021.3 and 2 more transcripts); c.1366G>A, p.Val456Ile (NM_004014.3); c.349G>A, p.Val117Ile (NM_004015.3, NM_004016.3, NM_004017.3 and 2 more transcripts); short protein forms V3185I, V3062I, V3177I, V3181I, V725I, V117I, V1841I, V1844I.
Identifiers: ClinVar variation 501803 (VCV000501803.11), dbSNP rs1556280685, ClinGen allele CA412649742.

ClinVar aggregate classification (germline): Uncertain significance. Review status: criteria provided, multiple submitters, no conflicts (2 of 4 stars). 3 submissions from 3 submitters: Uncertain significance (3). Last evaluated 2025-12-26.

Conditions:
Duchenne muscular dystrophy (DMD). Also called: MUSCULAR DYSTROPHY, PSEUDOHYPERTROPHIC PROGRESSIVE, DUCHENNE TYPE; Duchenne Muscular Dystrophy (DMD). Identifiers: Orphanet 98896, MedGen C0013264, MONDO:0010679, OMIM 310200.
Cardiovascular phenotype. Identifiers: MedGen CN230736.

Allele frequency attached by ClinVar (database versions not stated): gnomAD exomes below 0.00001; TOPMed 0.00002.
gnomAD v4.1: 2 of 1,211,089 alleles (0.00017%); highest among the groups gnomAD compares: Non-Finnish European, 0.00022%; no homozygotes.

Submissions (3):

Labcorp Genetics (formerly Invitae), Labcorp
Classification: Uncertain significance for Duchenne muscular dystrophy. Last evaluated: 2025-12-26. Review status: criteria provided, single submitter. Criteria: Invitae Variant Classification Sherloc (09022015). Collection method: clinical testing. Allele origin: germline.
Comment: This sequence change replaces valine, which is neutral and non-polar, with isoleucine, which is neutral and non-polar, at codon 3185 of the DMD protein (p.Val3185Ile). This variant is not present in population databases (gnomAD no frequency). This variant has not been reported in the literature in individuals affected with DMD-related conditions. ClinVar contains an entry for this variant (Variation ID: 501803). Invitae Evidence Modeling of protein sequence and biophysical properties (such as structural, functional, and spatial information, amino acid conservation, physicochemical variation, residue mobility, and thermodynamic stability) indicates that this missense variant is not expected to disrupt DMD protein function with a negative predictive value of 95%. In summary, the available evidence is currently insufficient to determine the role of this variant in disease. Therefore, it has been classified as a Variant of Uncertain Significance.

Ambry Genetics
Classification: Uncertain significance for Cardiovascular phenotype. Last evaluated: 2019-10-18. Review status: criteria provided, single submitter. Criteria: Ambry Variant Classification Scheme 2023. Collection method: clinical testing. Allele origin: germline.
Comment: The p.V3185I variant (also known as c.9553G>A), located in coding exon 65 of the DMD gene, results from a G to A substitution at nucleotide position 9553. The valine at codon 3185 is replaced by isoleucine, an amino acid with highly similar properties. This amino acid position is highly conserved in available vertebrate species. In addition, the in silico prediction for this alteration is inconclusive. Since supporting evidence is limited at this time, the clinical significance of this alteration remains unclear.

Eurofins Ntd Llc (ga)
Classification: Uncertain significance. Last evaluated: 2017-05-02. Review status: criteria provided, single submitter. Criteria: EGL Classification Definitions 2015. Collection method: clinical testing. Allele origin: germline. Observed: 1 variant allele, 1 heterozygote.